The following is an entry in ClinVar:

NM_000454.5(SOD1):c.107T>C (p.Ile36Thr)

Gene: SOD1 (superoxide dismutase 1; plus strand). Cytogenetic location: 21q22.11.
Variant type: single nucleotide variant.
Coding change: c.107T>C on transcript NM_000454.5 (MANE Select); coding-DNA position 107, T replaced by C.
Protein change: p.Ile36Thr; replaces isoleucine 36 with threonine.
Molecular consequence: missense variant.
Genome position (GRCh38, 1-based): chr21:31,663,824, T>C. VCF-style: chr21-31663824-T-C. GRCh37 (hg19) VCF-style: chr21-33036137-T-C.
Other names: short protein forms I36T.
Identifiers: ClinVar variation 3637815 (VCV003637815.2).

ClinVar aggregate classification (germline): Uncertain significance (1 of 4 stars; one submission).

Conditions:
Amyotrophic lateral sclerosis type 1 (ALS1). Also called: AMYOTROPHIC LATERAL SCLEROSIS 1, FAMILIAL. Identifiers: Orphanet 803, MedGen C1862939, MONDO:0007103, OMIM 105400.

Submission:

Labcorp Genetics (formerly Invitae), Labcorp
Classification: Uncertain significance for Amyotrophic lateral sclerosis type 1. Last evaluated: 2025-10-01. Review status: criteria provided, single submitter. Criteria: Invitae Variant Classification Sherloc (09022015). Collection method: clinical testing. Allele origin: germline.
Comment: This sequence change replaces isoleucine, which is neutral and non-polar, with threonine, which is neutral and polar, at codon 36 of the SOD1 protein (p.Ile36Thr). This variant is not present in population databases (gnomAD no frequency). This variant has not been reported in the literature in individuals affected with SOD1-related conditions. ClinVar contains an entry for this variant (Variation ID: 3637815). Invitae Evidence Modeling of protein sequence and biophysical properties (such as structural, functional, and spatial information, amino acid conservation, physicochemical variation, residue mobility, and thermodynamic stability) indicates that this missense variant is expected to disrupt SOD1 protein function with a positive predictive value of 95%. In summary, the available evidence is currently insufficient to determine the role of this variant in disease. Therefore, it has been classified as a Variant of Uncertain Significance.